The following is an entry in ClinVar:

ClinVar aggregate classification (germline): Benign/Likely benign. Review status: criteria provided, multiple submitters, no conflicts (2 of 4 stars). 9 submissions from 8 submitters: Benign (1); Likely benign (8). Last evaluated 2025-09-24.

Conditions:
Pheochromocytoma. Also called: MAX-Related Hereditary Paraganglioma-Pheochromocytoma Syndrome. Identifiers: Orphanet 29072, MedGen C0031511, MONDO:0008233, OMIM 171300, HP:0002666.
Hirschsprung disease, susceptibility to, 1 (HSCR1). Also called: RET-Related Hirschsprung Disease. Identifiers: Orphanet 388, MedGen C3888239, MONDO:0007723, OMIM 142623.
Familial medullary thyroid carcinoma (MTC). Also called: Thyroid cancer, familial medullary; MTC, familial; Familial Medullary Thyroid Carcinoma (FMTC). Identifiers: Orphanet 653, Orphanet 99361, MedGen C1833921, MONDO:0007958, OMIM 155240.
Multiple endocrine neoplasia type 2B. Also called: WAGENMANN-FROBOESE SYNDROME; MULTIPLE ENDOCRINE NEOPLASIA, TYPE III; MEN 2B; MUCOSAL NEUROMA SYNDROME; MULTIPLE ENDOCRINE NEOPLASIA, TYPE IIB; MEN IIB. Identifiers: Orphanet 247709, Orphanet 653, MedGen C0025269, MeSH D018814, MONDO:0008082, OMIM 162300.
Multiple endocrine neoplasia type 2A. Also called: MULTIPLE ENDOCRINE NEOPLASIA, TYPE IIA; PTC SYNDROME; SIPPLE SYNDROME; MEN 2A; MEN-2A syndrome; Pheochromocytoma and amyloid producing medullary thyroid carcinoma. Identifiers: Orphanet 247698, Orphanet 653, MedGen C0025268, MeSH D018813, MONDO:0008234, OMIM 171400.
Hereditary cancer-predisposing syndrome. Also called: Tumor predisposition; Hereditary neoplastic syndrome; Neoplastic Syndromes, Hereditary; Hereditary Cancer Syndrome. Identifiers: Orphanet 140162, MedGen C0027672, MeSH D009386, MONDO:0015356.
Multiple endocrine neoplasia, type 2 (MEN2). Identifiers: Orphanet 653, MedGen C4048306, MONDO:0019003. Disease mechanism: gain of function.

Allele frequency attached by ClinVar (database versions not stated): gnomAD exomes 0.00003; ExAC 0.00006; ESP Exome Variant Server 0.00008.
gnomAD v4.1: 26 of 1,614,114 alleles (0.0016%); highest among the groups gnomAD compares: South Asian, 0.0077%; no homozygotes.

Submissions (9):

Labcorp Genetics (formerly Invitae), Labcorp
Classification: Likely benign for Multiple endocrine neoplasia, type 2. Last evaluated: 2025-09-24. Review status: criteria provided, single submitter. Criteria: Invitae Variant Classification Sherloc (09022015). Collection method: clinical testing. Allele origin: germline.

KCCC/NGS Laboratory, Kuwait Cancer Control Center
Classification: Benign for Pheochromocytoma. Last evaluated: 2025-02-01. Review status: criteria provided, single submitter. Criteria: ACMG Guidelines, 2015. Collection method: clinical testing. Allele origin: germline. Affected: no.

Blueprint Genetics
Classification: Likely benign. Last evaluated: 2024-04-05. Review status: criteria provided, single submitter. Criteria: ACMG Guidelines, 2015. Collection method: clinical testing. Allele origin: germline.

All of Us Research Program, National Institutes of Health
Classification: Likely benign for Multiple endocrine neoplasia, type 2. Last evaluated: 2023-12-13. Review status: criteria provided, single submitter. Criteria: ACMG Guidelines, 2015. Collection method: clinical testing. Allele origin: germline. Inheritance: Autosomal dominant inheritance. Observed: 4 variant alleles, 4 heterozygotes.
Comment: This study involves interpretation of variants in research participants for the purpose of population health screening. Participant phenotype was not available at the time of variant classification. Additional details can be found in publication PMID: 35346344, PMCID: PMC8962531

KCCC/NGS Laboratory, Kuwait Cancer Control Center
Classification: Likely benign for Multiple endocrine neoplasia type 2B. Last evaluated: 2023-07-07. Review status: criteria provided, single submitter. Criteria: ACMG Guidelines, 2015. Collection method: clinical testing. Allele origin: germline. Affected: yes.

CeGaT Center for Human Genetics Tuebingen
Classification: Likely benign. Last evaluated: 2023-07-01. Review status: criteria provided, single submitter. Criteria: CeGaT Center For Human Genetics Tuebingen Variant Classification Criteria Version 2. Collection method: clinical testing. Allele origin: germline. Affected: yes. Observed: 1 variant allele.
Comment: RET: BP4, BP7

Department of Pathology and Laboratory Medicine, Sinai Health System
Classification: Likely benign for Hirschsprung disease, susceptibility to, 1; Familial medullary thyroid carcinoma; Multiple endocrine neoplasia type 2B; Pheochromocytoma; Multiple endocrine neoplasia type 2A. Last evaluated: 2023-05-03. Review status: criteria provided, single submitter. Criteria: ACMG Guidelines, 2015. Collection method: clinical testing. Allele origin: germline. Affected: yes.

Ambry Genetics
Classification: Likely benign for Hereditary cancer-predisposing syndrome. Last evaluated: 2018-05-18. Review status: criteria provided, single submitter. Criteria: Ambry Variant Classification Scheme 2023. Collection method: clinical testing. Allele origin: germline.

PreventionGenetics, part of Exact Sciences
Classification: Likely benign. Review status: criteria provided, single submitter. Criteria: ACMG Guidelines, 2015. Collection method: clinical testing. Allele origin: germline.

NM_020975.6(RET):c.582G>A (p.Gln194=)

Gene: RET (ret proto-oncogene; plus strand). Cytogenetic location: 10q11.21.
Variant type: single nucleotide variant.
Coding change: c.582G>A on transcript NM_020975.6 (MANE Select); coding-DNA position 582, G replaced by A.
Protein change: p.Gln194=; no amino-acid change (glutamine 194 retained).
Molecular consequence: synonymous variant. On other transcripts: intron variant (15).
Genome position (GRCh38, 1-based): chr10:43,102,586, G>A. VCF-style: chr10-43102586-G-A. GRCh37 (hg19) VCF-style: chr10-43598034-G-A.
Other names: c.582G>A, p.Gln194= (NM_000323.2, NM_001406743.1, NM_001406744.1 and 16 more transcripts); c.453G>A, p.Gln151= (NM_001406761.1, NM_001406762.1, NM_001406764.1 and 4 more transcripts); c.337+1864G>A (NM_001406770.1, NM_001406766.1, NM_001406767.1 and 8 more transcripts); c.74-6445G>A (NM_001406784.1); c.74-9513G>A (NM_001406794.1, NM_001406792.1, NM_001406793.1).
Identifiers: ClinVar variation 216730 (VCV000216730.47), dbSNP rs368116579, ClinGen allele CA043982.
Genomic context (GRCh38, chr10:43,102,586, plus strand): 5'-CCGCATTCGGGAGAACCGACCCCCAGGCACCTTCCACCAGTTCCGCCTGCTGCCTGTGCA[G>A]TTCTTGTGCCCCAACATCAGCGTGGCCTACAGGCTCCTGGAGGGTGAGTGCCGACCTTGT-3'
Protein context (NP_066124.1, residues 184-204): TFHQFRLLPV[Gln194=]FLCPNISVAY